The following is an entry in ClinVar:

ClinVar aggregate classification (germline): Uncertain significance (1 of 4 stars; one submission).

Submission:

GeneDx
Classification: Uncertain significance. Last evaluated: 2022-03-28. Review status: criteria provided, single submitter. Criteria: GeneDx Variant Classification Process June 2021. Collection method: clinical testing. Allele origin: germline. Affected: yes.
Comment: Not observed at significant frequency in large population cohorts (gnomAD); In silico analysis supports that this missense variant does not alter protein structure/function; Has not been previously published as pathogenic or benign to our knowledge

NM_001206999.2(CIT):c.6192G>T (p.Trp2064Cys)

Gene: CIT (citron rho-interacting serine/threonine kinase; minus strand). Cytogenetic location: 12q24.23.
Variant type: single nucleotide variant.
Coding change: c.6192G>T on transcript NM_001206999.2 (MANE Select); coding-DNA position 6192, G replaced by T.
Protein change: p.Trp2064Cys; replaces tryptophan 2064 with cysteine.
Molecular consequence: missense variant.
Genome position (GRCh38, 1-based): chr12:119,688,250, C>A on the plus strand (G>T on the coding strand, the complement: CIT is on the minus strand). VCF-style: chr12-119688250-C-A. GRCh37 (hg19) VCF-style: chr12-120126055-C-A.
Other names: c.6066G>T, p.Trp2022Cys (NM_007174.3); short protein forms W2022C, W2064C.
Identifiers: ClinVar variation 1708009 (VCV001708009.2), dbSNP rs2500687400, ClinGen allele CA386546673.